The following is an entry in ClinVar:

NM_001244008.2(KIF1A):c.3287G>A (p.Arg1096His)

Gene: KIF1A (kinesin family member 1A; minus strand). Cytogenetic location: 2q37.3.
Variant type: single nucleotide variant.
Coding change: c.3287G>A on transcript NM_001244008.2 (MANE Select); coding-DNA position 3287, G replaced by A.
Protein change: p.Arg1096His; replaces arginine 1096 with histidine.
Molecular consequence: missense variant.
Genome position (GRCh38, 1-based): chr2:240,745,825, C>T on the plus strand (G>A on the coding strand, the complement: KIF1A is on the minus strand). VCF-style: chr2-240745825-C-T. GRCh37 (hg19) VCF-style: chr2-241685242-C-T.
Other names: c.3011G>A, p.Arg1004His (NM_001320705.2, NM_001330289.2, NM_001379638.1); c.3086G>A, p.Arg1029His (NM_001330290.2, NM_001379634.1, NM_001379635.1 and 1 more transcripts); c.3362G>A, p.Arg1121His (NM_001379631.1); c.3236G>A, p.Arg1079His (NM_001379632.1); c.3260G>A, p.Arg1087His (NM_001379633.1, NM_001379642.1, NM_001379645.1); c.2984G>A, p.Arg995His (NM_001379636.1, NM_001379639.1, NM_001379641.1 and 5 more transcripts); c.3059G>A, p.Arg1020His (NM_001379637.1, NM_001379648.1); c.2981G>A, p.Arg994His (NM_001379640.1); short protein forms R1096H, R1004H, R995H, R1029H, R1087H, R994H, R1020H, R1079H.
Identifiers: ClinVar variation 834555 (VCV000834555.11), dbSNP rs780970120, ClinGen allele CA2207848.

ClinVar aggregate classification (germline): Conflicting classifications of pathogenicity. Review status: criteria provided, conflicting classifications (1 of 4 stars). 4 submissions from 4 submitters: Uncertain significance (3); Likely benign (1). Last evaluated 2025-05-31.

Conditions:
Inborn genetic diseases. Identifiers: MedGen C0950123, MeSH D030342.
Hereditary spastic paraplegia 30. Identifiers: Orphanet 101010, MedGen C5235139, MONDO:0012476.
Neuropathy, hereditary sensory, type 2C. Also called: Hereditary sensory and autonomic neuropathy type IIC; KIF1A-Related HSAN2 (HSAN2C). Identifiers: Orphanet 970, MedGen C3280168, MONDO:0013634, OMIM 614213.
Intellectual disability, autosomal dominant 9 (NESCAVS). Also called: NESCAV SYNDROME; KIF1A-Related Neurodevelopmental Disorder. Identifiers: Orphanet 662367, MedGen C5393830, MONDO:0013656, OMIM 614255.

Allele frequency attached by ClinVar (database versions not stated): gnomAD 0.00001; gnomAD exomes 0.00001; ExAC 0.00003; TOPMed 0.00003.
gnomAD v4.1: 13 of 1,612,684 alleles (0.00081%); highest among the groups gnomAD compares: South Asian, 0.0022%; no homozygotes.

Submissions (4):

GeneDx
Classification: Uncertain significance. Last evaluated: 2025-05-31. Review status: criteria provided, single submitter. Criteria: GeneDx Variant Classification Process June 2021. Collection method: clinical testing. Allele origin: germline. Affected: yes.
Comment: In silico analysis supports that this missense variant has a deleterious effect on protein structure/function; Has not been previously published as pathogenic or benign to our knowledge

Labcorp Genetics (formerly Invitae), Labcorp
Classification: Likely benign for Hereditary spastic paraplegia 30; Neuropathy, hereditary sensory, type 2C; Intellectual disability, autosomal dominant 9. Last evaluated: 2025-01-27. Review status: criteria provided, single submitter. Criteria: Invitae Variant Classification Sherloc (09022015). Collection method: clinical testing. Allele origin: germline.

Ambry Genetics
Classification: Uncertain significance for Inborn genetic diseases. Last evaluated: 2021-04-23. Review status: criteria provided, single submitter. Criteria: Ambry Variant Classification Scheme 2023. Collection method: clinical testing. Allele origin: germline.
Comment: The p.R1096H variant (also known as c.3287G>A), located in coding exon 30 of the KIF1A gene, results from a G to A substitution at nucleotide position 3287. The arginine at codon 1096 is replaced by histidine, an amino acid with highly similar properties. This amino acid position is not well conserved in available vertebrate species. In addition, this alteration is predicted to be tolerated by in silico analysis. Since supporting evidence is limited at this time, the clinical significance of this alteration remains unclear.

Neuberg Centre For Genomic Medicine, NCGM
Classification: Uncertain significance for Intellectual disability, autosomal dominant 9. Review status: criteria provided, single submitter. Criteria: ACMG Guidelines, 2015. Collection method: clinical testing. Allele origin: germline. Inheritance: Autosomal dominant inheritance. Affected: yes.
Comment: The c.3287G>A (p.Arg1096His) missense variant in KIF1A gene has been submitted to ClinVar as a Variant of Uncertain Significance. It has not been reported in affected individuals. The p.Arg1096His variant is reported with the allele frequency (0.0008%) in the gnomAD Exomes and is novel (not in any individuals) in 1000 Genomes. The amino acid Arg at position 1096 is changed to a His changing protein sequence and it might alter its composition and physico-chemical properties. The amino acid change p.Arg1096His in KIF1A is predicted as conserved by GERP++ and PhyloP across 100 vertebrates. For these reasons, this variant has been classified as Variant of Uncertain Significance (VUS).